The following is an entry in ClinVar:

ClinVar aggregate classification (germline): Likely pathogenic (1 of 4 stars; one submission).

Conditions:
Marfan syndrome (MFS). Also called: MARFAN SYNDROME, TYPE I; FBN1-Related Marfan Syndrome; Marfan syndrome type 1; Marfan's syndrome; Marfan syndrome, classic. Identifiers: Orphanet 284963, Orphanet 558, MedGen C0024796, MONDO:0007947, OMIM 154700.

Submission:

Laboratorio de Genetica e Diagnostico Molecular, Hospital Israelita Albert Einstein
Classification: Likely pathogenic for Marfan syndrome. Last evaluated: 2022-06-03. Review status: criteria provided, single submitter. Criteria: ACMG Guidelines, 2015. Collection method: clinical testing. Allele origin: germline. Affected: yes. Observed: 1 variant allele.
Comment: ACMG classification criteria: PVS1 strong, PM2 moderated

NM_000138.5(FBN1):c.6497-1G>A

Gene: FBN1 (fibrillin 1; minus strand). Cytogenetic location: 15q21.1.
Variant type: single nucleotide variant.
Coding change: c.6497-1G>A on transcript NM_000138.5 (MANE Select); the canonical splice acceptor site of the intron before coding-DNA position 6497, G replaced by A.
Molecular consequence: splice acceptor variant.
Genome position (GRCh38, 1-based): chr15:48,434,714, C>T on the plus strand (G>A on the coding strand, the complement: FBN1 is on the minus strand). VCF-style: chr15-48434714-C-T. GRCh37 (hg19) VCF-style: chr15-48726911-C-T.
Other names: c.6497-1G>A (NM_001406716.1).
Identifiers: ClinVar variation 2431720 (VCV002431720.1), dbSNP rs2505429718, ClinGen allele CA392335374.